The following is an entry in ClinVar:

NM_000059.4(BRCA2):c.9425A>G (p.Asp3142Gly)

Gene: BRCA2 (BRCA2 DNA repair associated; plus strand). Cytogenetic location: 13q13.1.
Variant type: single nucleotide variant.
Coding change: c.9425A>G on transcript NM_000059.4 (MANE Select); coding-DNA position 9425, A replaced by G.
Protein change: p.Asp3142Gly; replaces aspartic acid 3142 with glycine.
Molecular consequence: missense variant.
Genome position (GRCh38, 1-based): chr13:32,394,857, A>G. VCF-style: chr13-32394857-A-G. GRCh37 (hg19) VCF-style: chr13-32968994-A-G.
Other names: 9653A>G; short protein forms D3142G.
Identifiers: ClinVar variation 52834 (VCV000052834.32), dbSNP rs80359216, ClinGen allele CA026149.

ClinVar aggregate classification (germline): Conflicting classifications of pathogenicity. Review status: criteria provided, conflicting classifications (1 of 4 stars). 11 submissions from 11 submitters: Uncertain significance (6); Likely benign (1). 4 of the submissions do not count toward it. Last evaluated 2025-05-16.

Conditions:
Hereditary breast ovarian cancer syndrome. Also called: Hereditary breast and ovarian cancer syndrome; Hereditary breast and ovarian cancer; Hereditary breast and ovarian cancer syndrome (HBOC); Breast and ovarian cancer; Hereditary breast and/or ovarian cancer syndrome; BRCA1- and BRCA2-Associated Hereditary Breast and Ovarian Cancer. Identifiers: Orphanet 145, MedGen C0677776, MeSH D061325, MONDO:0003582. Disease mechanism: loss of function.
Malignant tumor of breast. Also called: Malignant breast neoplasm; Cancer breast. Identifiers: MedGen C0006142, MONDO:0007254. Disease mechanism: loss of function.
Hereditary cancer-predisposing syndrome. Also called: Neoplastic Syndromes, Hereditary; Tumor predisposition; Hereditary neoplastic syndrome; Hereditary Cancer Syndrome. Identifiers: Orphanet 140162, MedGen C0027672, MeSH D009386, MONDO:0015356.
BRCA2-related cancer predisposition. Identifiers: MedGen CN377758, MONDO:0700269.
Breast-ovarian cancer, familial, susceptibility to, 2 (BROVCA2). Also called: BRCA2 Hereditary Breast and Ovarian Cancer. Identifiers: Orphanet 145, MedGen C2675520, MONDO:0012933, OMIM 612555. Disease mechanism: loss of function.

Allele frequency attached by ClinVar (database versions not stated): gnomAD exomes 0.00001; TOPMed 0.00001.
gnomAD v4.1: 19 of 1,613,896 alleles (0.0012%); highest among the groups gnomAD compares: Non-Finnish European, 0.0015%; no homozygotes.

Submissions (11):

Ambry Genetics
Classification: Likely benign for Hereditary cancer-predisposing syndrome. Last evaluated: 2025-05-16. Review status: criteria provided, single submitter. Criteria: Ambry Variant Classification Scheme 2023. Collection method: clinical testing. Allele origin: germline.

All of Us Research Program, National Institutes of Health
Classification: Uncertain significance for BRCA2-related cancer predisposition. Last evaluated: 2024-08-13. Review status: criteria provided, single submitter. Criteria: ACMG Guidelines, 2015. Collection method: clinical testing. Allele origin: germline. Inheritance: Autosomal dominant inheritance. Observed: 5 variant alleles, 5 heterozygotes.
Comment: This missense variant replaces aspartic acid with glycine at codon 3142 of the BRCA2 protein. Computational prediction is inconclusive regarding the impact of this variant on protein structure and function. A functional study has reported that this variant does not impact BRCA2 function in growth and cisplatin and PARPi sensitivity assays in Brca2-deficient mouse embryonic stem cells (PMID: 37922907). This variant has been reported in an individual affected with ovarian cancer (PMID: 21965345) and it has been detected in a breast cancer case-control meta-analysis in 0/60466 cases and 2/53461 unaffected individuals (PMID: 33471991; Leiden Open Variation Database DB-ID BRCA2_000457). Multifactorial analyses have reported likelihood ratios for pathogenicity based on co-occurrence with a pathogenic variant and personal and family history of 1.0498 and 1.764, respectively (PMID: 31131967, 31853058). This variant has been identified in 2/31364 chromosomes in the general population by the Genome Aggregation Database (gnomAD). The available evidence is insufficient to determine the role of this variant in disease conclusively. Therefore, this variant is classified as a Variant of Uncertain Significance.

This study involves interpretation of variants in research participants for the purpose of population health screening. Participant phenotype was not available at the time of variant classification. Additional details can be found in publication PMID: 35346344, PMCID: PMC8962531

Color Diagnostics, LLC DBA Color Health
Classification: Uncertain significance for Hereditary cancer-predisposing syndrome. Last evaluated: 2024-07-31. Review status: criteria provided, single submitter. Criteria: ACMG Guidelines, 2015. Collection method: clinical testing. Allele origin: germline.
Comment: This missense variant replaces aspartic acid with glycine at codon 3142 of the BRCA2 protein. Computational prediction is inconclusive regarding the impact of this variant on protein structure and function. A functional study has reported that this variant does not impact BRCA2 function in growth and cisplatin and PARPi sensitivity assays in Brca2-deficient mouse embryonic stem cells (PMID: 37922907). This variant has been reported in an individual affected with ovarian cancer (PMID: 21965345) and it has been detected in a breast cancer case-control meta-analysis in 0/60466 cases and 2/53461 unaffected individuals (PMID: 33471991; Leiden Open Variation Database DB-ID BRCA2_000457). Multifactorial analyses have reported likelihood ratios for pathogenicity based on co-occurrence with a pathogenic variant and personal and family history of 1.0498 and 1.764, respectively (PMID: 31131967, 31853058). This variant has been identified in 2/31364 chromosomes in the general population by the Genome Aggregation Database (gnomAD). The available evidence is insufficient to determine the role of this variant in disease conclusively. Therefore, this variant is classified as a Variant of Uncertain Significance.

GeneDx
Classification: Uncertain significance. Last evaluated: 2024-02-06. Review status: criteria provided, single submitter. Criteria: GeneDx Variant Classification Process June 2021. Collection method: clinical testing. Allele origin: germline. Affected: yes.
Comment: Published functional studies demonstrate cell viability and drug sensitivity comparable to wild type in mouse embryonic stem cells (PMID: 37922907); In silico analysis supports that this missense variant does not alter protein structure/function; Also known as 9653A>G; This variant is associated with the following publications: (PMID: 19043619, 26269718, 31131967, 21533266, 31911673, 32377563, 29884841, 31853058, 33471991, 12228710, 21965345, 37922907)

Labcorp Genetics (formerly Invitae), Labcorp
Classification: Uncertain significance for Hereditary breast ovarian cancer syndrome. Last evaluated: 2024-01-28. Review status: criteria provided, single submitter. Criteria: Invitae Variant Classification Sherloc (09022015). Collection method: clinical testing. Allele origin: germline.
Comment: This sequence change replaces aspartic acid, which is acidic and polar, with glycine, which is neutral and non-polar, at codon 3142 of the BRCA2 protein (p.Asp3142Gly). This variant is present in population databases (rs80359216, gnomAD 0.01%). This missense change has been observed in individual(s) with ovarian cancer (PMID: 21965345). ClinVar contains an entry for this variant (Variation ID: 52834). Advanced modeling of protein sequence and biophysical properties (such as structural, functional, and spatial information, amino acid conservation, physicochemical variation, residue mobility, and thermodynamic stability) performed at Invitae indicates that this missense variant is not expected to disrupt BRCA2 protein function with a negative predictive value of 95%. RNA analysis performed to evaluate the impact of this missense change on mRNA splicing indicates it does not significantly alter splicing (Invitae). In summary, the available evidence is currently insufficient to determine the role of this variant in disease. Therefore, it has been classified as a Variant of Uncertain Significance.

Quest Diagnostics Nichols Institute San Juan Capistrano
Classification: Uncertain significance. Last evaluated: 2022-08-19. Review status: criteria provided, single submitter. Criteria: Quest Diagnostics criteria. Collection method: clinical testing. Allele origin: unknown.

Sema4
Classification: Uncertain significance for Hereditary cancer-predisposing syndrome. Last evaluated: 2022-02-26. Review status: criteria provided, single submitter. Criteria: Sema4 Curation Guidelines. Collection method: curation. Allele origin: germline.
Comment: The BRCA2 c.9425A>G (p.D3142G) has been reported in at least one individual with ovarian cancer (PMID: 21965345). Additionally, it was reported in a large case-control study in 0/60466 breast cancer cases and in 2/53461 controls (PMID 33471991). This variant was observed in 2/15410 chromosomes in the Non-Finnish European population according to the Genome Aggregation Database (PMID: 32461654) and has been reported in ClinVar (Variation ID: 52834). Functional studies have not been performed, and in silico predictions of the variant's effect on protein function are inconclusive. The evidence is insufficient to meet ACMG/AMP criteria for classifying the variant as benign or pathogenic. Thus, the clinical significance of this variant is currently uncertain.

Counsyl
Classification: Uncertain significance for Breast-ovarian cancer, familial, susceptibility to, 2. Last evaluated: 2016-06-24. Review status: no assertion criteria provided. Collection method: clinical testing. Allele origin: unknown. Not counted in ClinVar's aggregate classification.

Sharing Clinical Reports Project (SCRP)
Classification: Uncertain significance for Breast-ovarian cancer, familial 2. Last evaluated: 2011-06-16. Review status: no assertion criteria provided. Collection method: clinical testing. Allele origin: germline. Not counted in ClinVar's aggregate classification.

Breast Cancer Information Core (BIC) (BRCA2)
Classification: Uncertain significance for Breast-ovarian cancer, familial 2. Last evaluated: 2003-12-23. Review status: no assertion criteria provided. Collection method: clinical testing. Allele origin: germline. Affected: yes. Observed: 1 variant allele. Not counted in ClinVar's aggregate classification.

Department of Pathology and Laboratory Medicine, Sinai Health System
Classification: Uncertain significance for Malignant tumor of breast. Review status: no assertion criteria provided. Collection method: clinical testing. Allele origin: unknown. Affected: yes. Study: The Canadian Open Genetics Repository (COGR). Not counted in ClinVar's aggregate classification.
Comment: The BRCA2 p.Asp3142Gly variant was identified in 1 of 2690 proband chromosomes (frequency: 0.0004) from individuals or families with ovarian cancer (Akbari 2011). The variant was also identified in the following databases: dbSNP (ID: rs80359216) as "With Uncertain significance allele", ClinVar (7x, uncertain significance), LOVD 3.0 (1x, predicted neutral), UMD-LSDB (1x, unclassified variant), and the BIC Database (1x, clinical importance unknown). The variant was classified as a variant of uncertain significance by the Sharing Clinical Reports Project (SCRP) (derived from Myriad reports). The variant was not identified in Cosmic, MutDB, ARUP Laboratories, or the Zhejiang University Database. The variant was identified in control databases in 2 of 30934 chromosomes at a frequency of 0.00007 (Genome Aggregation Database Feb 27, 2017). It was observed in the European population in 2 of 14986 chromosomes (freq: 0.0001); it was not observed in the African, Other, Latino, Ashkenazi Jewish, East Asian, Finnish, or South Asian populations. A study by Karchin 2008 utilizing bioinformatics predicted this variant to be neutral in its effect on protein function, with a protein likelihood ratio 0.059. Although the p.Asp3142 residue is not conserved in mammals and other organisms, computational analyses (PolyPhen-2, SIFT, AlignGVGD, BLOSUM, MutationTaster) suggest that the glycine variant may impact the protein. The variant occurs outside of the splicing consensus sequence and 2 of 5 in silico or computational prediction software programs (SpliceSiteFinder, MaxEntScan, NNSPLICE, GeneSplicer, HumanSpliceFinder) predict a greater than 10% difference in splicing. However, this information is not predictive enough to assume pathogenicity. In summary, based on the above information the clinical significance of this variant cannot be determined with certainty at this time. This variant is classified as a variant of uncertain significance.

Literature cited by the submitters: PubMed 19043619 (cited by 3 submitters); PubMed 21965345 (cited by 7 submitters); PubMed 33471991 (cited by 4 submitters); PubMed 31131967 (cited by 3 submitters); PubMed 31853058 (cited by All of Us Research Program, National Institutes of Health and Color Diagnostics, LLC DBA Color Health); PubMed 37922907 (cited by All of Us Research Program, National Institutes of Health and Color Diagnostics, LLC DBA Color Health).